The following is an entry in ClinVar:

NM_002878.4(RAD51D):c.461C>T (p.Thr154Ile)

Genes: RAD51D (RAD51 paralog D; minus strand), RAD51L3-RFFL (RAD51L3-RFFL readthrough; minus strand). Cytogenetic location: 17q12.
Variant type: single nucleotide variant.
Coding change: c.461C>T on transcript NM_002878.4 (MANE Select); coding-DNA position 461, C replaced by T.
Protein change: p.Thr154Ile; replaces threonine 154 with isoleucine.
Molecular consequence: missense variant. On other transcripts: non-coding transcript variant (1), intron variant (1).
Genome position (GRCh38, 1-based): chr17:35,107,007, G>A on the plus strand (C>T on the coding strand, the complement: RAD51D is on the minus strand). VCF-style: chr17-35107007-G-A. GRCh37 (hg19) VCF-style: chr17-33434026-G-A.
Other names: c.521C>T, p.Thr174Ile (NM_001142571.2); c.145-526C>T (NM_133629.3); short protein forms T154I, T174I.
Identifiers: ClinVar variation 1715819 (VCV001715819.9), dbSNP rs2091612838, ClinGen allele CA399089183.
Genomic context (GRCh38, chr17:35,107,007, plus strand): 5'-CTGTGTCAGAATCTCAATGGAACCCAGCATCCTGCCCTTACCTGTTCCTCCTCATCCTGG[G>A]TTTTAGCCTGAAGCAGCTGGAGGAGGCGGGAAGCTGTCAGCCCTCCATTGGAATCTACAT-3'
Protein context (NP_002869.3, residues 144-164): SRLLQLLQAK[Thr154Ile]QDEEEQAEAL

ClinVar aggregate classification (germline): Uncertain significance. Review status: criteria provided, multiple submitters, no conflicts (2 of 4 stars). 3 submissions from 3 submitters: Uncertain significance (3). Last evaluated 2025-10-16.

Conditions:
Hereditary cancer-predisposing syndrome. Also called: Neoplastic Syndromes, Hereditary; Tumor predisposition; Hereditary neoplastic syndrome; Hereditary Cancer Syndrome. Identifiers: Orphanet 140162, MedGen C0027672, MeSH D009386, MONDO:0015356.
Breast-ovarian cancer, familial, susceptibility to, 4. Identifiers: Orphanet 145, MedGen C3280345, MONDO:0013669, OMIM 614291.
Breast-ovarian cancer, familial, susceptibility to, 1 (BROVCA1). Also called: OVARIAN CANCER, SUSCEPTIBILITY TO; BRCA1 Hereditary Breast and Ovarian Cancer. Identifiers: Orphanet 145, MedGen C2676676, MONDO:0011450, OMIM 604370. Disease mechanism: loss of function.

Submissions (3):

Institute of Immunology and Genetics Kaiserslautern
Classification: Uncertain significance for Breast-ovarian cancer, familial, susceptibility to, 1. Last evaluated: 2025-10-16. Review status: criteria provided, single submitter. Criteria: ACMG Guidelines, 2015. Collection method: clinical testing. Allele origin: germline. Affected: no.
Comment: ACMG Criteria: BP4, PM2_P; Variant was found in heterozygous state.

Labcorp Genetics (formerly Invitae), Labcorp
Classification: Uncertain significance for Breast-ovarian cancer, familial, susceptibility to, 4. Last evaluated: 2022-12-12. Review status: criteria provided, single submitter. Criteria: Invitae Variant Classification Sherloc (09022015). Collection method: clinical testing. Allele origin: germline.
Comment: In summary, the available evidence is currently insufficient to determine the role of this variant in disease. Therefore, it has been classified as a Variant of Uncertain Significance. Algorithms developed to predict the effect of missense changes on protein structure and function (SIFT, PolyPhen-2, Align-GVGD) all suggest that this variant is likely to be tolerated. ClinVar contains an entry for this variant (Variation ID: 1715819). This variant has not been reported in the literature in individuals affected with RAD51D-related conditions. This variant is not present in population databases (gnomAD no frequency). This sequence change replaces threonine, which is neutral and polar, with isoleucine, which is neutral and non-polar, at codon 154 of the RAD51D protein (p.Thr154Ile).

Ambry Genetics
Classification: Uncertain significance for Hereditary cancer-predisposing syndrome. Last evaluated: 2021-09-21. Review status: criteria provided, single submitter. Criteria: Ambry Variant Classification Scheme 2023. Collection method: clinical testing. Allele origin: germline.
Comment: The p.T154I variant (also known as c.461C>T), located in coding exon 5 of the RAD51D gene, results from a C to T substitution at nucleotide position 461. The threonine at codon 154 is replaced by isoleucine, an amino acid with similar properties. This amino acid position is conserved. In addition, this alteration is predicted to be tolerated by in silico analysis. Since supporting evidence is limited at this time, the clinical significance of this alteration remains unclear.